The following is an entry in ClinVar:

NM_001005373.4(LRSAM1):c.44G>T (p.Arg15Leu)

Gene: LRSAM1 (leucine rich repeat and sterile alpha motif containing 1; plus strand). Cytogenetic location: 9q33.3.
Variant type: single nucleotide variant.
Coding change: c.44G>T on transcript NM_001005373.4 (MANE Select); coding-DNA position 44, G replaced by T.
Protein change: p.Arg15Leu; replaces arginine 15 with leucine.
Molecular consequence: missense variant. On other transcripts: 5 prime UTR variant (1), non-coding transcript variant (2).
Genome position (GRCh38, 1-based): chr9:127,454,571, G>T. VCF-style: chr9-127454571-G-T. GRCh37 (hg19) VCF-style: chr9-130216850-G-T.
Other names: c.44G>T, p.Arg15Leu (NM_001005374.4, NM_001190723.3, NM_001384142.1 and 2 more transcripts); c.-741G>T (NM_001384144.1); short protein forms R15L.
Identifiers: ClinVar variation 2704989 (VCV002704989.3), dbSNP rs368646898, ClinGen allele CA374960894.

ClinVar aggregate classification (germline): Uncertain significance (1 of 4 stars; one submission).

Conditions:
Charcot-Marie-Tooth disease axonal type 2P. Also called: CHARCOT-MARIE-TOOTH NEUROPATHY, TYPE 2P; Charcot-Marie-Tooth Neuropathy Type 2G; CHARCOT-MARIE-TOOTH DISEASE, AXONAL, TYPE 2G; CMT 2G. Identifiers: Orphanet 300319, Orphanet 99941, MedGen C3280797, MONDO:0013753, OMIM 614436.

Submission:

Labcorp Genetics (formerly Invitae), Labcorp
Classification: Uncertain significance for Charcot-Marie-Tooth disease axonal type 2P. Last evaluated: 2024-04-08. Review status: criteria provided, single submitter. Criteria: Invitae Variant Classification Sherloc (09022015). Collection method: clinical testing. Allele origin: germline.
Comment: This sequence change replaces arginine, which is basic and polar, with leucine, which is neutral and non-polar, at codon 15 of the LRSAM1 protein (p.Arg15Leu). This variant is not present in population databases (gnomAD no frequency). This variant has not been reported in the literature in individuals affected with LRSAM1-related conditions. Advanced modeling of protein sequence and biophysical properties (such as structural, functional, and spatial information, amino acid conservation, physicochemical variation, residue mobility, and thermodynamic stability) performed at Invitae indicates that this missense variant is expected to disrupt LRSAM1 protein function with a positive predictive value of 80%. In summary, the available evidence is currently insufficient to determine the role of this variant in disease. Therefore, it has been classified as a Variant of Uncertain Significance.